The following is an entry in ClinVar:

ClinVar aggregate classification (germline): Uncertain significance (1 of 4 stars; one submission).

Conditions:
Inborn genetic diseases. Identifiers: MedGen C0950123, MeSH D030342.

Submission:

Ambry Genetics
Classification: Uncertain significance for Inborn genetic diseases. Last evaluated: 2026-09-14. Review status: criteria provided, single submitter. Criteria: Ambry Variant Classification Scheme 2023. Collection method: clinical testing. Allele origin: germline.
Comment: The c.434+5G>A intronic variant results from a G to A substitution 5 nucleotides after coding exon 5 in the DDX41 gene. This nucleotide position is not well conserved in available vertebrate species. In silico splice site analysis predicts that this alteration will not have any significant effect on splicing. Based on the available evidence, the clinical significance of this variant remains unclear.

NM_016222.4(DDX41):c.434+5G>A

Gene: DDX41 (DEAD-box helicase 41; minus strand). Cytogenetic location: 5q35.3.
Variant type: single nucleotide variant.
Coding change: c.434+5G>A on transcript NM_016222.4 (MANE Select); 5 bases into the intron after coding-DNA position 434, G replaced by A.
Molecular consequence: intron variant.
Genome position (GRCh38, 1-based): chr5:177,515,924, C>T on the plus strand (G>A on the coding strand, the complement: DDX41 is on the minus strand). VCF-style: chr5-177515924-C-T. GRCh37 (hg19) VCF-style: chr5-176942925-C-T.
Other names: c.56+5G>A (NM_001321830.2, NM_001321732.2).
Identifiers: ClinVar variation 5035179 (VCV005035179.1).